The following is an entry in ClinVar:

NM_001145809.2(MYH14):c.1552A>G (p.Met518Val)

Gene: MYH14 (myosin heavy chain 14; plus strand). Cytogenetic location: 19q13.33.
Variant type: single nucleotide variant.
Coding change: c.1552A>G on transcript NM_001145809.2 (MANE Select); coding-DNA position 1552, A replaced by G.
Protein change: p.Met518Val; replaces methionine 518 with valine.
Molecular consequence: missense variant.
Genome position (GRCh38, 1-based): chr19:50,249,719, A>G. VCF-style: chr19-50249719-A-G. GRCh37 (hg19) VCF-style: chr19-50752976-A-G.
Other names: c.1552A>G, p.Met518Val (NM_001077186.2); c.1528A>G, p.Met510Val (NM_024729.4); short protein forms M510V, M518V.
Identifiers: ClinVar variation 3012591 (VCV003012591.3), dbSNP rs371254858, ClinGen allele CA9592661.

ClinVar aggregate classification (germline): Uncertain significance (1 of 4 stars; one submission).

Allele frequency attached by ClinVar (database versions not stated): ExAC 0.00002; TOPMed 0.00002; ESP Exome Variant Server 0.00015.

Submission:

Labcorp Genetics (formerly Invitae), Labcorp
Classification: Uncertain significance. Last evaluated: 2023-01-13. Review status: criteria provided, single submitter. Criteria: Invitae Variant Classification Sherloc (09022015). Collection method: clinical testing. Allele origin: germline.
Comment: In summary, the available evidence is currently insufficient to determine the role of this variant in disease. Therefore, it has been classified as a Variant of Uncertain Significance. Advanced modeling of protein sequence and biophysical properties (such as structural, functional, and spatial information, amino acid conservation, physicochemical variation, residue mobility, and thermodynamic stability) performed at Invitae indicates that this missense variant is expected to disrupt MYH14 protein function. This missense change has been observed in at least one individual who was not affected with MYH14-related conditions (Invitae). This variant has not been reported in the literature in individuals affected with MYH14-related conditions. This variant is present in population databases (rs371254858, gnomAD 0.007%). This sequence change replaces methionine, which is neutral and non-polar, with valine, which is neutral and non-polar, at codon 510 of the MYH14 protein (p.Met510Val).